The following is an entry in ClinVar:

NM_001267550.2(TTN):c.35517T>C (p.Ile11839=)

Gene: TTN (titin; minus strand). Cytogenetic location: 2q31.2.
Variant type: single nucleotide variant.
Coding change: c.35517T>C on transcript NM_001267550.2 (MANE Select); coding-DNA position 35517, T replaced by C.
Protein change: p.Ile11839=; no amino-acid change (isoleucine 11839 retained).
Molecular consequence: synonymous variant. On other transcripts: intron variant (5).
Genome position (GRCh38, 1-based): chr2:178,669,401, A>G on the plus strand (T>C on the coding strand, the complement: TTN is on the minus strand). VCF-style: chr2-178669401-A-G. GRCh37 (hg19) VCF-style: chr2-179534128-A-G.
Other names: c.13283-27084T>C (NM_003319.4); c.13859-27084T>C (NM_133437.4); c.13658-27084T>C (NM_133432.3); c.31483+817T>C (NM_133378.4); c.34264+817T>C (NM_001256850.1).
Identifiers: ClinVar variation 797230 (VCV000797230.38), dbSNP rs1352240541, ClinGen allele CA430122513.

ClinVar aggregate classification (germline): Likely benign. Review status: criteria provided, multiple submitters, no conflicts (2 of 4 stars). 2 submissions from 2 submitters: Likely benign (2). Last evaluated 2025-11-20.

Conditions:
Dilated cardiomyopathy 1G (CMD1G). Identifiers: Orphanet 154, MedGen C1858763, MONDO:0011400, OMIM 604145.
Autosomal recessive limb-girdle muscular dystrophy type 2J (LGMDR10). Also called: MUSCULAR DYSTROPHY, LIMB-GIRDLE, AUTOSOMAL RECESSIVE 10; Limb-girdle muscular dystrophy, type 2J. Identifiers: Orphanet 140922, MedGen C1837342, MONDO:0012127, OMIM 608807.

Allele frequency attached by ClinVar (database versions not stated): gnomAD exomes below 0.00001; gnomAD 0.00001; TOPMed 0.00001.
gnomAD v4.1: 10 of 1,520,966 alleles (0.00066%); highest among the groups gnomAD compares: Admixed American, 0.0023%; no homozygotes.

Submissions (2):

Labcorp Genetics (formerly Invitae), Labcorp
Classification: Likely benign for Dilated cardiomyopathy 1G; Autosomal recessive limb-girdle muscular dystrophy type 2J. Last evaluated: 2025-11-20. Review status: criteria provided, single submitter. Criteria: Invitae Variant Classification Sherloc (09022015). Collection method: clinical testing. Allele origin: germline.

CeGaT Center for Human Genetics Tuebingen
Classification: Likely benign. Last evaluated: 2025-04-01. Review status: criteria provided, single submitter. Criteria: CeGaT Center For Human Genetics Tuebingen Variant Classification Criteria Version 2. Collection method: clinical testing. Allele origin: germline. Affected: yes. Observed: 5 variant alleles.
Comment: TTN: BP4, BP7